The following is an entry in ClinVar:

ClinVar aggregate classification (germline): Likely pathogenic (1 of 4 stars; one submission).

Conditions:
Usher syndrome type 2A. Also called: RETINAL DISEASE IN USHER SYNDROME TYPE IIA, MODIFIER OF; USHER SYNDROME, TYPE IIA. Identifiers: Orphanet 231178, Orphanet 886, MedGen C1848634, MONDO:0010169, OMIM 276901.

Submission:

MGZ Medical Genetics Center
Classification: Likely pathogenic for Usher syndrome type 2A. Last evaluated: 2022-05-09. Review status: criteria provided, single submitter. Criteria: ACMG Guidelines, 2015. Collection method: clinical testing. Allele origin: germline. Affected: yes. Observed: 1 variant allele.
Comment: ACMG criteria applied: PVS1, PM2_SUP

NM_206933.4(USH2A):c.3158-1G>T

Genes: USH2A (usherin; minus strand), USH2A-AS1 (USH2A antisense RNA 1; plus strand). Cytogenetic location: 1q41.
Variant type: single nucleotide variant.
Coding change: c.3158-1G>T on transcript NM_206933.4 (MANE Select); the canonical splice acceptor site of the intron before coding-DNA position 3158, G replaced by T.
Molecular consequence: splice acceptor variant.
Genome position (GRCh38, 1-based): chr1:216,207,432, C>A on the plus strand (G>T on the coding strand, the complement: USH2A is on the minus strand). VCF-style: chr1-216207432-C-A. GRCh37 (hg19) VCF-style: chr1-216380774-C-A.
Other names: c.3158-1G>T (NM_007123.6).
Identifiers: ClinVar variation 1709446 (VCV001709446.2), dbSNP rs1231186035, ClinGen allele CA344862648.
Genomic context (GRCh38, chr1:216,207,432, plus strand): 5'-AGAGATTGATAGCAGAAGAACTTTGAACTTGTCCTCTGGGCGGAGGTTGCTGGAATGGAG[C>A]TAAATTACAATGAAGAGAGCATTTATTAGCAAAGCAATCAATAAACAGAAAAGCAAACTG-3'